The following is an entry in ClinVar:

ClinVar aggregate classification (germline): Uncertain significance. Review status: criteria provided, multiple submitters, no conflicts (2 of 4 stars). 3 submissions from 3 submitters: Uncertain significance (2). 1 of the submissions does not count toward it. Last evaluated 2022-07-25.

Conditions:
Usher syndrome type 2A. Also called: RETINAL DISEASE IN USHER SYNDROME TYPE IIA, MODIFIER OF; USHER SYNDROME, TYPE IIA. Identifiers: Orphanet 231178, Orphanet 886, MedGen C1848634, MONDO:0010169, OMIM 276901.

Allele frequency attached by ClinVar (database versions not stated): TOPMed below 0.00001; gnomAD 0.00001.
gnomAD v4.1: 4 of 1,614,110 alleles (0.00025%); highest among the groups gnomAD compares: Non-Finnish European, 0.00025%; no homozygotes.

Submissions (3):

Labcorp Genetics (formerly Invitae), Labcorp
Classification: Uncertain significance. Last evaluated: 2022-07-25. Review status: criteria provided, single submitter. Criteria: Invitae Variant Classification Sherloc (09022015). Collection method: clinical testing. Allele origin: germline.
Comment: This sequence change replaces alanine, which is neutral and non-polar, with threonine, which is neutral and polar, at codon 5048 of the USH2A protein (p.Ala5048Thr). This variant is not present in population databases (gnomAD no frequency). This variant has not been reported in the literature in individuals affected with USH2A-related conditions. ClinVar contains an entry for this variant (Variation ID: 1051866). Algorithms developed to predict the effect of missense changes on protein structure and function (SIFT, PolyPhen-2, Align-GVGD) all suggest that this variant is likely to be tolerated. In summary, the available evidence is currently insufficient to determine the role of this variant in disease. Therefore, it has been classified as a Variant of Uncertain Significance.

Blueprint Genetics
Classification: Uncertain significance. Last evaluated: 2019-09-05. Review status: criteria provided, single submitter. Criteria: ACMG Guidelines, 2015. Collection method: clinical testing. Allele origin: germline.

Natera, Inc.
Classification: Uncertain significance for Usher syndrome type 2A. Last evaluated: 2020-11-04. Review status: no assertion criteria provided. Collection method: clinical testing. Allele origin: germline. Not counted in ClinVar's aggregate classification.

NM_206933.4(USH2A):c.15142G>A (p.Ala5048Thr)

Gene: USH2A (usherin; minus strand). Cytogenetic location: 1q41.
Variant type: single nucleotide variant.
Coding change: c.15142G>A on transcript NM_206933.4 (MANE Select); coding-DNA position 15142, G replaced by A.
Protein change: p.Ala5048Thr; replaces alanine 5048 with threonine.
Molecular consequence: missense variant.
Genome position (GRCh38, 1-based): chr1:215,634,614, C>T on the plus strand (G>A on the coding strand, the complement: USH2A is on the minus strand). VCF-style: chr1-215634614-C-T. GRCh37 (hg19) VCF-style: chr1-215807956-C-T.
Other names: short protein forms A5048T.
Identifiers: ClinVar variation 1051866 (VCV001051866.4), dbSNP rs371182500, ClinGen allele CA344824187.